The following is an entry in ClinVar:

NM_001792.5(CDH2):c.2462C>T (p.Pro821Leu)

Genes: CDH2 (cadherin 2; minus strand), CDH2-AS1 (CDH2 antisense RNA 1; plus strand). Cytogenetic location: 18q12.1.
Variant type: single nucleotide variant.
Coding change: c.2462C>T on transcript NM_001792.5 (MANE Select); coding-DNA position 2462, C replaced by T.
Protein change: p.Pro821Leu; replaces proline 821 with leucine.
Molecular consequence: missense variant.
Genome position (GRCh38, 1-based): chr18:27,963,409, G>A on the plus strand (C>T on the coding strand, the complement: CDH2 is on the minus strand). VCF-style: chr18-27963409-G-A. GRCh37 (hg19) VCF-style: chr18-25543373-G-A.
Other names: c.2369C>T, p.Pro790Leu (NM_001308176.2); short protein forms P821L, P790L.
Identifiers: ClinVar variation 1791651 (VCV001791651.7), dbSNP rs768097198, ClinGen allele CA8923146.

ClinVar aggregate classification (germline): Uncertain significance. Review status: criteria provided, multiple submitters, no conflicts (2 of 4 stars). 2 submissions from 2 submitters: Uncertain significance (2). Last evaluated 2025-04-09.

Conditions:
Inborn genetic diseases. Identifiers: MedGen C0950123, MeSH D030342.

Allele frequency attached by ClinVar (database versions not stated): gnomAD exomes below 0.00001; TOPMed 0.00001; gnomAD 0.00001; ExAC 0.00001.
gnomAD v4.1: 8 of 1,613,892 alleles (0.0005%); highest among the groups gnomAD compares: African/African-American, 0.0013%; no homozygotes.

Submissions (2):

Labcorp Genetics (formerly Invitae), Labcorp
Classification: Uncertain significance. Last evaluated: 2025-04-09. Review status: criteria provided, single submitter. Criteria: Invitae Variant Classification Sherloc (09022015). Collection method: clinical testing. Allele origin: germline.
Comment: This sequence change replaces proline, which is neutral and non-polar, with leucine, which is neutral and non-polar, at codon 821 of the CDH2 protein (p.Pro821Leu). This variant is present in population databases (rs768097198, gnomAD 0.0009%). This variant has not been reported in the literature in individuals affected with CDH2-related conditions. ClinVar contains an entry for this variant (Variation ID: 1791651). An algorithm developed to predict the effect of missense changes on protein structure and function (PolyPhen-2) suggests that this variant is likely to be disruptive. In summary, the available evidence is currently insufficient to determine the role of this variant in disease. Therefore, it has been classified as a Variant of Uncertain Significance.

Ambry Genetics
Classification: Uncertain significance for Inborn genetic diseases. Last evaluated: 2022-06-27. Review status: criteria provided, single submitter. Criteria: Ambry Variant Classification Scheme 2023. Collection method: clinical testing. Allele origin: germline.
Comment: The p.P821L variant (also known as c.2462C>T), located in coding exon 15 of the CDH2 gene, results from a C to T substitution at nucleotide position 2462. The proline at codon 821 is replaced by leucine, an amino acid with similar properties. This amino acid position is conserved. In addition, this alteration is predicted to be deleterious by in silico analysis. Since supporting evidence is limited at this time, the clinical significance of this alteration remains unclear.